The following is an entry in ClinVar:

ClinVar aggregate classification (germline): Conflicting classifications of pathogenicity. Review status: criteria provided, conflicting classifications (1 of 4 stars). 3 submissions from 3 submitters: Uncertain significance (2); Likely benign (1). Last evaluated 2025-11-17.

Conditions:
Progressive familial heart block type IB (PFHB1B). Identifiers: Orphanet 871, MedGen C1970298, MONDO:0011474, OMIM 604559.
Cardiovascular phenotype. Identifiers: MedGen CN230736.

Allele frequency attached by ClinVar (database versions not stated): gnomAD 0.00002; 1000 Genomes Project 0.00020; ExAC 0.00001; 1000 Genomes Project 30x 0.00031.
gnomAD v4.1: 23 of 1,613,280 alleles (0.0014%); highest among the groups gnomAD compares: African/African-American, 0.0053%; no homozygotes.

Submissions (3):

Labcorp Genetics (formerly Invitae), Labcorp
Classification: Likely benign for Progressive familial heart block type IB. Last evaluated: 2025-11-17. Review status: criteria provided, single submitter. Criteria: Invitae Variant Classification Sherloc (09022015). Collection method: clinical testing. Allele origin: germline.

GeneDx
Classification: Uncertain significance. Last evaluated: 2025-01-21. Review status: criteria provided, single submitter. Criteria: GeneDx Variant Classification Process June 2021. Collection method: clinical testing. Allele origin: germline. Affected: yes.
Comment: Non-canonical splice site variant in a gene for which loss-of-function is not an established mechanism of disease; Not observed at significant frequency in large population cohorts (gnomAD); In silico analysis indicates that this variant does not alter splicing; Has not been previously published as pathogenic or benign to our knowledge

Ambry Genetics
Classification: Uncertain significance for Cardiovascular phenotype. Last evaluated: 2023-05-02. Review status: criteria provided, single submitter. Criteria: Ambry Variant Classification Scheme 2023. Collection method: clinical testing. Allele origin: germline.
Comment: The c.2020-5C>A intronic variant results from a C to A substitution 5 nucleotides upstream from coding exon 15 in the TRPM4 gene. This nucleotide position is not well conserved in available vertebrate species. In silico splice site analysis predicts that this alteration will not have any significant effect on splicing. Since supporting evidence is limited at this time, the clinical significance of this alteration remains unclear.

NM_017636.4(TRPM4):c.2020-5C>A

Gene: TRPM4 (transient receptor potential cation channel subfamily M member 4; plus strand). Cytogenetic location: 19q13.33.
Variant type: single nucleotide variant.
Coding change: c.2020-5C>A on transcript NM_017636.4 (MANE Select); 5 bases into the intron before coding-DNA position 2020, C replaced by A.
Molecular consequence: intron variant.
Genome position (GRCh38, 1-based): chr19:49,190,203, C>A. VCF-style: chr19-49190203-C-A. GRCh37 (hg19) VCF-style: chr19-49693460-C-A.
Other names: c.2020-5C>A (NM_001195227.2); c.412-5C>A (NM_001321282.2); c.1675-5C>A (NM_001321281.2); c.1498-5C>A (NM_001321283.2); c.958-5C>A (NM_001321285.2).
Identifiers: ClinVar variation 1784546 (VCV001784546.7), dbSNP rs536657204, ClinGen allele CA9569420.
Genomic context (GRCh38, chr19:49,190,203, plus strand): 5'-GCTGGGCGTCTTAGGGACGGGGCTGTGGGGGAGATTTGGATCCTAATCCTTCCCACCCCC[C>A]ACAGTCTCTGCTGACACAGAAGTGGTGGGGAGATATGGCCAGCACTACACCCATCTGGGC-3'